The following is an entry in ClinVar:

NM_001184.4(ATR):c.3172-26T>A

Gene: ATR (ATR checkpoint kinase; minus strand). Cytogenetic location: 3q23.
Variant type: single nucleotide variant.
Coding change: c.3172-26T>A on transcript NM_001184.4 (MANE Select); 26 bases into the intron before coding-DNA position 3172, T replaced by A.
Molecular consequence: intron variant.
Genome position (GRCh38, 1-based): chr3:142,547,936, A>T on the plus strand (T>A on the coding strand, the complement: ATR is on the minus strand). VCF-style: chr3-142547936-A-T. GRCh37 (hg19) VCF-style: chr3-142266778-A-T.
Other names: c.2980-26T>A (NM_001354579.2).
Identifiers: ClinVar variation 157976 (VCV000157976.11), dbSNP rs76852171, ClinGen allele CA171355.

ClinVar aggregate classification (germline): Benign/Likely benign. Review status: criteria provided, multiple submitters, no conflicts (2 of 4 stars). 5 submissions from 5 submitters: Benign (3); Likely benign (1). 1 of the submissions does not count toward it. Last evaluated 2025-07-10.

Conditions:
Hereditary cancer-predisposing syndrome. Also called: Hereditary neoplastic syndrome; Tumor predisposition; Neoplastic Syndromes, Hereditary; Hereditary Cancer Syndrome. Identifiers: Orphanet 140162, MedGen C0027672, MeSH D009386, MONDO:0015356.
Familial cutaneous telangiectasia and oropharyngeal predisposition cancer syndrome. Identifiers: Orphanet 313846, MedGen C3281203, MONDO:0013806, OMIM 614564.

Allele frequency attached by ClinVar (database versions not stated): ESP Exome Variant Server 0.01639; gnomAD exomes 0.03373 and 0.03452; ExAC 0.03759; 1000 Genomes Project 30x 0.04606; 1000 Genomes Project 0.04752; gnomAD 0.04915 and 0.05061; TOPMed 0.05021.
gnomAD v4.1: 58,005 of 1,608,392 alleles (3.6%); highest among the groups gnomAD compares: African/African-American, 9.5%; 1,265 homozygotes.

Submissions (5):

GeneKor MSA
Classification: Benign for Hereditary cancer-predisposing syndrome. Last evaluated: 2025-07-10. Review status: criteria provided, single submitter. Criteria: ACMG Guidelines, 2015. Collection method: clinical testing. Allele origin: germline.

KCCC/NGS Laboratory, Kuwait Cancer Control Center
Classification: Likely benign for Familial cutaneous telangiectasia and oropharyngeal predisposition cancer syndrome. Last evaluated: 2023-07-07. Review status: criteria provided, single submitter. Criteria: ACMG Guidelines, 2015. Collection method: clinical testing. Allele origin: germline. Affected: yes.

GeneDx
Classification: Benign. Last evaluated: 2018-09-26. Review status: criteria provided, single submitter. Criteria: GeneDx Variant Classification Process June 2021. Collection method: clinical testing. Allele origin: germline. Affected: yes.

Breakthrough Genomics
Classification: Benign. Review status: criteria provided, single submitter. Criteria: ACMG Guidelines, 2015. Collection method: not provided. Allele origin: germline. Inheritance: Autosomal recessive inheritance. Affected: yes.

Genetic Services Laboratory, University of Chicago
Classification: Likely benign. Review status: no assertion criteria provided. Collection method: clinical testing. Allele origin: germline. Inheritance: Autosomal recessive inheritance. Not counted in ClinVar's aggregate classification.
Comment: Likely benign based on allele frequency in 1000 Genomes Project or ESP global frequency and its presence in a patient with a rare or unrelated disease phenotype. NOT Sanger confirmed